The following is an entry in ClinVar:

NM_015338.6(ASXL1):c.3103C>G (p.Pro1035Ala)

Gene: ASXL1 (ASXL transcriptional regulator 1; plus strand). Cytogenetic location: 20q11.21.
Variant type: single nucleotide variant.
Coding change: c.3103C>G on transcript NM_015338.6 (MANE Select); coding-DNA position 3103, C replaced by G.
Protein change: p.Pro1035Ala; replaces proline 1035 with alanine.
Molecular consequence: missense variant.
Genome position (GRCh38, 1-based): chr20:32,435,815, C>G. VCF-style: chr20-32435815-C-G. GRCh37 (hg19) VCF-style: chr20-31023618-C-G.
Other names: c.2920C>G, p.Pro974Ala (NM_001363734.1); short protein forms P974A, P1035A.
Identifiers: ClinVar variation 4587575 (VCV004587575.1).
Genomic context (GRCh38, chr20:32,435,815, plus strand): 5'-GAGGCTGACACTAGAGAAGCTGCAGTGACAAAGGGATCTTCGGTGGACAAGGATGAGAAA[C>G]CCAATTGGAACCAATCTGCCCCACTGTCCAAGGTGAATGGTGACATGCGTCTGGTTACAA-3'
Protein context (NP_056153.2, residues 1025-1045): KGSSVDKDEK[Pro1035Ala]NWNQSAPLSK

ClinVar aggregate classification (germline): Uncertain significance (1 of 4 stars; one submission).

Conditions:
Inborn genetic diseases. Identifiers: MedGen C0950123, MeSH D030342.

Submission:

Ambry Genetics
Classification: Uncertain significance for Inborn genetic diseases. Last evaluated: 2025-10-03. Review status: criteria provided, single submitter. Criteria: Ambry Variant Classification Scheme 2023. Collection method: clinical testing. Allele origin: germline.
Comment: The p.P1035A variant (also known as c.3103C>G), located in coding exon 13 of the ASXL1 gene, results from a C to G substitution at nucleotide position 3103. The proline at codon 1035 is replaced by alanine, an amino acid with highly similar properties. This amino acid position is conserved. In addition, this alteration is predicted to be tolerated by in silico analysis. Based on the available evidence, the clinical significance of this variant remains unclear.